The following is an entry in ClinVar:

ClinVar aggregate classification (germline): Uncertain significance (1 of 4 stars; one submission).

Conditions:
Bethlem myopathy 2 (BTHLM2). Identifiers: Orphanet 536516, Orphanet 610, MedGen C4225313, MONDO:0034022, OMIM 616471.
Ullrich congenital muscular dystrophy 2 (UCMD2). Identifiers: Orphanet 75840, MedGen C4225314, MONDO:0014654, OMIM 616470.

Allele frequency attached by ClinVar (database versions not stated): gnomAD exomes below 0.00001.
gnomAD v4.1: 1 of 1,609,212 alleles (0.000062%); highest among the groups gnomAD compares: Non-Finnish European, 0.000085%; no homozygotes.

Submission:

Labcorp Genetics (formerly Invitae), Labcorp
Classification: Uncertain significance for Bethlem myopathy 2; Ullrich congenital muscular dystrophy 2. Last evaluated: 2019-04-20. Review status: criteria provided, single submitter. Criteria: Invitae Variant Classification Sherloc (09022015). Collection method: clinical testing. Allele origin: germline.
Comment: This sequence change replaces proline with leucine at codon 3026 of the COL12A1 protein (p.Pro3026Leu). The proline residue is highly conserved and there is a moderate physicochemical difference between proline and leucine. This variant is not present in population databases (ExAC no frequency). In summary, the available evidence is currently insufficient to determine the role of this variant in disease. Therefore, it has been classified as a Variant of Uncertain Significance. Algorithms developed to predict the effect of missense changes on protein structure and function are either unavailable or do not agree on the potential impact of this missense change (SIFT: "Deleterious"; PolyPhen-2: "Probably Damaging"; Align-GVGD: "Class C0"). This variant has not been reported in the literature in individuals with COL12A1-related conditions.

NM_004370.6(COL12A1):c.9077C>T (p.Pro3026Leu)

Gene: COL12A1 (collagen type XII alpha 1 chain; minus strand). Cytogenetic location: 6q13.
Variant type: single nucleotide variant.
Coding change: c.9077C>T on transcript NM_004370.6 (MANE Select); coding-DNA position 9077, C replaced by T.
Protein change: p.Pro3026Leu; replaces proline 3026 with leucine.
Molecular consequence: missense variant.
Genome position (GRCh38, 1-based): chr6:75,087,681, G>A on the plus strand (C>T on the coding strand, the complement: COL12A1 is on the minus strand). VCF-style: chr6-75087681-G-A. GRCh37 (hg19) VCF-style: chr6-75797397-G-A.
Other names: c.5585C>T, p.Pro1862Leu (NM_080645.3); short protein forms P1862L, P3026L.
Identifiers: ClinVar variation 861528 (VCV000861528.10), dbSNP rs1767570608, ClinGen allele CA364732973.
Genomic context (GRCh38, chr6:75,087,681, plus strand): 5'-GAATCACAGTATCCAGGAGGACCTGGGGGTCCTCGGATACCTGAGTTTCCAGGACGGCCA[G>A]GGGGGCCAGGGGGACCTCTTGAACCTGTGGACCCTGGTGGACCTGTTCTGGATTCTCCTT-3'
Protein context (NP_004361.3, residues 3016-3036): STGSRGPPGP[Pro3026Leu]GRPGNSGIRG